The following is an entry in ClinVar:

NM_019042.5(PUS7):c.*5T>C

Gene: PUS7 (pseudouridine synthase 7; minus strand). Cytogenetic location: 7q22.3.
Variant type: single nucleotide variant.
Coding change: c.*5T>C on transcript NM_019042.5 (MANE Select); 5 bases downstream of the stop codon, T replaced by C.
Molecular consequence: 3 prime UTR variant.
Genome position (GRCh38, 1-based): chr7:105,457,785, A>G on the plus strand (T>C on the coding strand, the complement: PUS7 is on the minus strand). VCF-style: chr7-105457785-A-G. GRCh37 (hg19) VCF-style: chr7-105098232-A-G.
Other names: c.*5T>C (NM_001318163.1, NM_001318164.2).
Identifiers: ClinVar variation 3037449 (VCV003037449.2), dbSNP rs144603382, ClinGen allele CA4425711.

ClinVar aggregate classification (germline): Benign (0 of 4 stars; one submission).

Conditions:
PUS7-related disorder. Also called: PUS7-related condition.

Allele frequency attached by ClinVar (database versions not stated): 1000 Genomes Project 30x 0.00156; 1000 Genomes Project 0.00160; gnomAD 0.00238; TOPMed 0.00283; ESP Exome Variant Server 0.00300.

Submission:

PreventionGenetics, part of Exact Sciences
Classification: Benign for PUS7-related condition. Last evaluated: 2019-12-31. Review status: no assertion criteria provided. Collection method: clinical testing. Allele origin: germline.
Comment: This variant is classified as benign based on ACMG/AMP sequence variant interpretation guidelines (Richards et al. 2015 PMID: 25741868, with internal and published modifications).